The following is an entry in ClinVar:

ClinVar aggregate classification (germline): Uncertain significance (1 of 4 stars; one submission).

Submission:

CeGaT Center for Human Genetics Tuebingen
Classification: Uncertain significance. Last evaluated: 2023-10-01. Review status: criteria provided, single submitter. Criteria: CeGaT Center For Human Genetics Tuebingen Variant Classification Criteria Version 2. Collection method: clinical testing. Allele origin: germline. Affected: yes. Observed: 1 variant allele.
Comment: HYDIN: PM2, BP4

NM_001270974.2(HYDIN):c.12608C>T (p.Thr4203Ile)

Gene: HYDIN (HYDIN axonemal central pair apparatus protein; minus strand). Cytogenetic location: 16q22.2.
Variant type: single nucleotide variant.
Coding change: c.12608C>T on transcript NM_001270974.2 (MANE Select); coding-DNA position 12608, C replaced by T.
Protein change: p.Thr4203Ile; replaces threonine 4203 with isoleucine.
Molecular consequence: missense variant.
Genome position (GRCh38, 1-based): chr16:70,850,491, G>A on the plus strand (C>T on the coding strand, the complement: HYDIN is on the minus strand). VCF-style: chr16-70850491-G-A. GRCh37 (hg19) VCF-style: chr16-70884394-G-A.
Other names: short protein forms T4203I.
Identifiers: ClinVar variation 2646700 (VCV002646700.24), dbSNP rs2507915930, ClinGen allele CA396600425.